The following is an entry in ClinVar:

ClinVar aggregate classification (germline): Likely benign. Review status: criteria provided, multiple submitters, no conflicts (2 of 4 stars). 2 submissions from 2 submitters: Likely benign (2). Last evaluated 2024-05-04.

Conditions:
Autosomal recessive limb-girdle muscular dystrophy type 2J (LGMDR10). Also called: Limb-girdle muscular dystrophy, type 2J; MUSCULAR DYSTROPHY, LIMB-GIRDLE, AUTOSOMAL RECESSIVE 10. Identifiers: Orphanet 140922, MedGen C1837342, MONDO:0012127, OMIM 608807.
Dilated cardiomyopathy 1G (CMD1G). Identifiers: Orphanet 154, MedGen C1858763, MONDO:0011400, OMIM 604145.

Allele frequency attached by ClinVar (database versions not stated): gnomAD exomes below 0.00001; TOPMed below 0.00001.
gnomAD v4.1: 1 of 1,613,854 alleles (0.000062%); highest among the groups gnomAD compares: Admixed American, 0.0017%; no homozygotes.

Submissions (2):

Labcorp Genetics (formerly Invitae), Labcorp
Classification: Likely benign for Dilated cardiomyopathy 1G; Autosomal recessive limb-girdle muscular dystrophy type 2J. Last evaluated: 2024-05-04. Review status: criteria provided, single submitter. Criteria: Invitae Variant Classification Sherloc (09022015). Collection method: clinical testing. Allele origin: germline.

CeGaT Center for Human Genetics Tuebingen
Classification: Likely benign. Last evaluated: 2023-07-01. Review status: criteria provided, single submitter. Criteria: CeGaT Center For Human Genetics Tuebingen Variant Classification Criteria Version 2. Collection method: clinical testing. Allele origin: germline. Affected: yes. Observed: 1 variant allele.
Comment: TTN: BP4, BP7

NM_001267550.2(TTN):c.10117C>T (p.Leu3373=)

Gene: TTN (titin; minus strand). Cytogenetic location: 2q31.2.
Variant type: single nucleotide variant.
Coding change: c.10117C>T on transcript NM_001267550.2 (MANE Select); coding-DNA position 10117, C replaced by T.
Protein change: p.Leu3373=; no amino-acid change (leucine 3373 retained).
Molecular consequence: synonymous variant.
Genome position (GRCh38, 1-based): chr2:178,759,170, G>A on the plus strand (C>T on the coding strand, the complement: TTN is on the minus strand). VCF-style: chr2-178759170-G-A. GRCh37 (hg19) VCF-style: chr2-179623897-G-A.
Other names: c.10117C>T, p.Leu3373= (NM_001256850.1, NM_133378.4, NM_133379.5); c.9979C>T, p.Leu3327= (NM_003319.4, NM_133432.3, NM_133437.4).
Identifiers: ClinVar variation 1108332 (VCV001108332.34), dbSNP rs1182847537, ClinGen allele CA430123739.
Genomic context (GRCh38, chr2:178,759,170, plus strand): 5'-TCATTCTAAAGAACCGAGATGGCTTGATTTTCTTGTCTTTGCTGTACCACGACACTTTTA[G>A]ATCTGCGACACAAAAGAAAAGAGATACTTCAACCACAAAAATGAGTGGATTTTTACAATT-3'
Protein context (NP_001254479.2, residues 3363-3383): RFQCRVSGTD[Leu3373=]KVSWYSKDKK